The following is an entry in ClinVar:

NM_001267550.2(TTN):c.19384G>T (p.Asp6462Tyr)

Gene: TTN (titin; minus strand). Cytogenetic location: 2q31.2.
Variant type: single nucleotide variant.
Coding change: c.19384G>T on transcript NM_001267550.2 (MANE Select); coding-DNA position 19384, G replaced by T.
Protein change: p.Asp6462Tyr; replaces aspartic acid 6462 with tyrosine.
Molecular consequence: missense variant. On other transcripts: intron variant (3).
Genome position (GRCh38, 1-based): chr2:178,728,542, C>A on the plus strand (G>T on the coding strand, the complement: TTN is on the minus strand). VCF-style: chr2-178728542-C-A. GRCh37 (hg19) VCF-style: chr2-179593269-C-A.
Other names: c.18433G>T, p.Asp6145Tyr (NM_001256850.1); c.15652G>T, p.Asp5218Tyr (NM_133378.4); c.13282+9540G>T (NM_003319.4); c.13858+9540G>T (NM_133437.4); c.13657+9540G>T (NM_133432.3); short protein forms D5218Y, D6145Y, D6462Y.
Identifiers: ClinVar variation 3769319 (VCV003769319.2).

ClinVar aggregate classification (germline): Uncertain significance (1 of 4 stars; one submission).

Submission:

Women's Health and Genetics/Laboratory Corporation of America, LabCorp
Classification: Uncertain significance. Last evaluated: 2025-01-02. Review status: criteria provided, single submitter. Criteria: LabCorp Variant Classification Summary - May 2015. Collection method: clinical testing. Allele origin: germline.
Comment: Variant summary: TTN c.15652G>T (p.Asp5218Tyr) (also known as NM_001267550:c.19384G>T (p.Asp6462Tyr)) results in a non-conservative amino acid change in the encoded protein sequence. Two of three in-silico tools predict a damaging effect of the variant on protein function. The variant was absent in 247676 control chromosomes (gnomAD). The available data on variant occurrences in the general population are insufficient to allow any conclusion about variant significance. To our knowledge, no occurrence of c.15652G>T in individuals affected with Autosomal Recessive Titinopathy and no experimental evidence demonstrating its impact on protein function have been reported. No submitters have cited clinical-significance assessments for this variant to ClinVar. Based on the evidence outlined above, the variant was classified as uncertain significance.